The following is an entry in ClinVar:

ClinVar aggregate classification (germline): Pathogenic (1 of 4 stars; one submission).

Conditions:
Mowat-Wilson syndrome (MOWS). Also called: Classic Mowat-Wilson Syndrome. Identifiers: Orphanet 2152, MedGen C1856113, MONDO:0009341, OMIM 235730.

Submission:

Labcorp Genetics (formerly Invitae), Labcorp
Classification: Pathogenic for Mowat-Wilson syndrome. Last evaluated: 2021-06-18. Review status: criteria provided, single submitter. Criteria: Invitae Variant Classification Sherloc (09022015). Collection method: clinical testing. Allele origin: germline.
Comment: This variant is not present in population databases (ExAC no frequency). For these reasons, this variant has been classified as Pathogenic. This variant has not been reported in the literature in individuals with ZEB2-related conditions. This sequence change creates a premature translational stop signal (p.Phe415Trpfs*38) in the ZEB2 gene. It is expected to result in an absent or disrupted protein product. Loss-of-function variants in ZEB2 are known to be pathogenic (PMID: 16053902).

Literature cited by the submitters: PubMed 16053902.

NM_014795.4(ZEB2):c.1242_1249del (p.Phe415fs)

Gene: ZEB2 (zinc finger E-box binding homeobox 2; minus strand). Cytogenetic location: 2q22.3.
Variant type: Deletion.
Coding change: c.1242_1249del on transcript NM_014795.4 (MANE Select); coding-DNA positions 1242 to 1249, 8 bases deleted (CTTTATGA; older notation c.1242_1249delCTTTATGA).
Protein change: p.Phe415fs; shifts the reading frame from phenylalanine 415.
Molecular consequence: frameshift variant.
Genome position (GRCh38, 1-based): chr2:144,399,938-144,399,945, TCATAAAG deleted on the plus strand (CTTTATGA on the coding strand, the reverse complement: ZEB2 is on the minus strand). VCF-style (leftmost placement, unchanged base first): chr2-144399937-TTCATAAAG-T. GRCh37 (hg19) VCF-style: chr2-145157504-TTCATAAAG-T.
Other names: c.1170_1177del, p.Phe391fs (NM_001171653.2); short protein forms F391fs, F415fs.
Identifiers: ClinVar variation 1454226 (VCV001454226.6), dbSNP rs2149877380, ClinGen allele CA2573133283.
Genomic context (GRCh38, chr2:144,399,937, plus strand): 5'-TGCATTGGACTCTGAGCAGATGGATGAACTCCTAAAGGGCTGGTGGCTCCAAGCCCACCA[TTCATAAAG>T]GGACTAGTGCCACTAAACCCGTGTGTAGCCATAAGAACTTTATAGTCATTGAAGTCTAGT-3'